The following is an entry in ClinVar:

ClinVar aggregate classification (germline): Conflicting classifications of pathogenicity. Review status: criteria provided, conflicting classifications (1 of 4 stars). 4 submissions from 4 submitters: Uncertain significance (3); Likely benign (1). Last evaluated 2024-05-14.

Conditions:
Imerslund-Grasbeck syndrome. Also called: Imerslund-Gräsbeck syndrome; Megaloblastic anemia due to inborn errors of metabolism; ENTEROCYTE COBALAMIN MALABSORPTION; ENTEROCYTE INTRINSIC FACTOR RECEPTOR, DEFECT OF; PERNICIOUS ANEMIA, JUVENILE, DUE TO SELECTIVE INTESTINAL MALABSORPTION OF VITAMIN B12, WITH PROTEINURIA. Identifiers: Orphanet 35858, MedGen C4551825, MONDO:0009853.
Imerslund-Grasbeck syndrome type 1 (IGS1). Also called: Imerslund-Gräsbeck syndrome 1; Megaloblastic anemia 1, Finnish type; MEGALOBLASTIC ANEMIA, 1. Identifiers: MedGen C4016819, MONDO:0100156, OMIM 261100.
Proteinuria, chronic benign. Identifiers: MedGen C5394384, MONDO:0030042, OMIM 618884.
Inborn genetic diseases. Identifiers: MedGen C0950123, MeSH D030342.

Allele frequency attached by ClinVar (database versions not stated): gnomAD exomes 0.00003; gnomAD 0.00004; ExAC 0.00007; TOPMed 0.00007.
gnomAD v4.1: 55 of 1,613,652 alleles (0.0034%); highest among the groups gnomAD compares: East Asian, 0.11%; no homozygotes.

Submissions (4):

Fulgent Genetics
Classification: Uncertain significance for Imerslund-Grasbeck syndrome type 1; Proteinuria, chronic benign. Last evaluated: 2024-05-14. Review status: criteria provided, single submitter. Criteria: ACMG Guidelines, 2015. Collection method: clinical testing. Allele origin: germline.

Ambry Genetics
Classification: Likely benign for Inborn genetic diseases. Last evaluated: 2023-12-21. Review status: criteria provided, single submitter. Criteria: Ambry Variant Classification Scheme 2023. Collection method: clinical testing. Allele origin: germline.

Labcorp Genetics (formerly Invitae), Labcorp
Classification: Uncertain significance for Imerslund-Grasbeck syndrome. Last evaluated: 2022-02-14. Review status: criteria provided, single submitter. Criteria: Invitae Variant Classification Sherloc (09022015). Collection method: clinical testing. Allele origin: germline.
Comment: This sequence change replaces asparagine, which is neutral and polar, with serine, which is neutral and polar, at codon 957 of the CUBN protein (p.Asn957Ser). This variant is present in population databases (rs748865271, gnomAD 0.2%). This variant has not been reported in the literature in individuals affected with CUBN-related conditions. Algorithms developed to predict the effect of missense changes on protein structure and function output the following: SIFT: "Tolerated"; PolyPhen-2: "Benign"; Align-GVGD: "Class C0". The serine amino acid residue is found in multiple mammalian species, which suggests that this missense change does not adversely affect protein function. Algorithms developed to predict the effect of sequence changes on RNA splicing suggest that this variant may create or strengthen a splice site. In summary, the available evidence is currently insufficient to determine the role of this variant in disease. Therefore, it has been classified as a Variant of Uncertain Significance.

Blueprint Genetics
Classification: Uncertain significance. Last evaluated: 2021-08-10. Review status: criteria provided, single submitter. Criteria: ACMG Guidelines, 2015. Collection method: clinical testing. Allele origin: germline.

NM_001081.4(CUBN):c.2870A>G (p.Asn957Ser)

Gene: CUBN (cubilin; minus strand). Cytogenetic location: 10p13.
Variant type: single nucleotide variant.
Coding change: c.2870A>G on transcript NM_001081.4 (MANE Select); coding-DNA position 2870, A replaced by G.
Protein change: p.Asn957Ser; replaces asparagine 957 with serine.
Molecular consequence: missense variant.
Genome position (GRCh38, 1-based): chr10:17,068,202, T>C on the plus strand (A>G on the coding strand, the complement: CUBN is on the minus strand). VCF-style: chr10-17068202-T-C. GRCh37 (hg19) VCF-style: chr10-17110201-T-C.
Other names: short protein forms N957S.
Identifiers: ClinVar variation 1898872 (VCV001898872.5), dbSNP rs748865271, ClinGen allele CA5424836.
Genomic context (GRCh38, chr10:17,068,202, plus strand): 5'-AATGTTTCGAACATTAAATGAATCAGGTGATTAGGTTGGACTAATATATGCCAAGTACAG[T>C]TGATACCGTGGGGGTAGACATTTGGATGGCCAGGACTTTGAATGGTCCCTGTTGATTCTG-3'
Protein context (NP_001072.2, residues 947-967): GHPNVYPHGI[Asn957Ser]CTWHILVQPN